The following is an entry in ClinVar:

NM_004318.4(ASPH):c.1062+81del

Gene: ASPH (aspartate beta-hydroxylase; minus strand). Cytogenetic location: 8q12.3.
Variant type: Deletion.
Coding change: c.1062+81del on transcript NM_004318.4 (MANE Select); 81 bases into the intron after coding-DNA position 1062, one base deleted (A; older notation c.1062+81delA).
Molecular consequence: intron variant.
Genome position (GRCh38, 1-based): chr8:61,583,863, T deleted on the plus strand (A on the coding strand, the reverse complement: ASPH is on the minus strand); the first of 14 consecutive T bases (chr8:61,583,863-61,583,876); deleting any one gives the same sequence. VCF-style (leftmost placement, unchanged base first): chr8-61583862-AT-A. GRCh37 (hg19) VCF-style: chr8-62496421-AT-A.
Other names: c.975+81del (NM_001164750.2).
Identifiers: ClinVar variation 1704179 (VCV001704179.2), dbSNP rs35353831, ClinGen allele CA178322068.

ClinVar aggregate classification (germline): Likely benign (1 of 4 stars; one submission).

Submission:

GeneDx
Classification: Likely benign. Last evaluated: 2021-05-10. Review status: criteria provided, single submitter. Criteria: GeneDx Variant Classification Process June 2021. Collection method: clinical testing. Allele origin: germline. Affected: yes.
Comment: See Variant Classification Assertion Criteria.